The following is an entry in ClinVar:

ClinVar aggregate classification (germline): Uncertain significance (1 of 4 stars; one submission).

Conditions:
Very long chain acyl-CoA dehydrogenase deficiency (ACADVLD). Also called: VLCAD Deficiency; Very Long-Chain Acyl-Coenzyme A Dehydrogenase Deficiency. Identifiers: Orphanet 26793, MedGen C3887523, MONDO:0008723, OMIM 201475.

Allele frequency attached by ClinVar (database versions not stated): gnomAD exomes below 0.00001.
gnomAD v4.1: 6 of 1,614,170 alleles (0.00037%); highest among the groups gnomAD compares: Non-Finnish European, 0.00051%; no homozygotes.

Submission:

Labcorp Genetics (formerly Invitae), Labcorp
Classification: Uncertain significance for Very long chain acyl-CoA dehydrogenase deficiency. Last evaluated: 2021-12-15. Review status: criteria provided, single submitter. Criteria: Invitae Variant Classification Sherloc (09022015). Collection method: clinical testing. Allele origin: germline.
Comment: This sequence change replaces phenylalanine, which is neutral and non-polar, with leucine, which is neutral and non-polar, at codon 78 of the ACADVL protein (p.Phe78Leu). This variant is not present in population databases (gnomAD no frequency). This variant has not been reported in the literature in individuals affected with ACADVL-related conditions. Algorithms developed to predict the effect of missense changes on protein structure and function are either unavailable or do not agree on the potential impact of this missense change (SIFT: "Deleterious"; PolyPhen-2: "Probably Damaging"; Align-GVGD: "Class C15"). In summary, the available evidence is currently insufficient to determine the role of this variant in disease. Therefore, it has been classified as a Variant of Uncertain Significance.

NM_000018.4(ACADVL):c.234C>G (p.Phe78Leu)

Gene: ACADVL (acyl-CoA dehydrogenase very long chain; plus strand). Cytogenetic location: 17p13.1.
Variant type: single nucleotide variant.
Coding change: c.234C>G on transcript NM_000018.4 (MANE Select); coding-DNA position 234, C replaced by G.
Protein change: p.Phe78Leu; replaces phenylalanine 78 with leucine.
Molecular consequence: missense variant.
Genome position (GRCh38, 1-based): chr17:7,220,633, C>G. VCF-style: chr17-7220633-C-G. GRCh37 (hg19) VCF-style: chr17-7123952-C-G.
Other names: c.168C>G, p.Phe56Leu (NM_001033859.3); c.303C>G, p.Phe101Leu (NM_001270447.2); c.6C>G, p.Phe2Leu (NM_001270448.2); short protein forms F101L, F56L, F78L, F2L.
Identifiers: ClinVar variation 1367081 (VCV001367081.3), dbSNP rs2142965570, ClinGen allele CA397722388.